The following is an entry in ClinVar:

NM_001127222.2(CACNA1A):c.6466C>T (p.Arg2156Cys)

Gene: CACNA1A (calcium voltage-gated channel subunit alpha1 A; minus strand). Cytogenetic location: 19p13.13.
Variant type: single nucleotide variant.
Coding change: c.6466C>T on transcript NM_001127222.2 (MANE Select); coding-DNA position 6466, C replaced by T.
Protein change: p.Arg2156Cys; replaces arginine 2156 with cysteine.
Molecular consequence: missense variant.
Genome position (GRCh38, 1-based): chr19:13,209,372, G>A on the plus strand (C>T on the coding strand, the complement: CACNA1A is on the minus strand). VCF-style: chr19-13209372-G-A. GRCh37 (hg19) VCF-style: chr19-13320186-G-A.
Other names: c.6484C>T, p.Arg2162Cys (NM_000068.4, NM_023035.3); c.6469C>T, p.Arg2157Cys (NM_001127221.2); c.6475C>T, p.Arg2159Cys (NM_001174080.2); c.6466C>T (NM_001127222.1); short protein forms R2157C, R2162C, R2156C, R2159C.
Identifiers: ClinVar variation 421928 (VCV000421928.21), dbSNP rs554393704, ClinGen allele CA9239356.

ClinVar aggregate classification (germline): Conflicting classifications of pathogenicity. Review status: criteria provided, conflicting classifications (1 of 4 stars). 8 submissions from 8 submitters: Uncertain significance (4); Benign (1); Likely benign (2). 1 of the submissions does not count toward it. Last evaluated 2025-07-30.

Conditions:
Developmental and epileptic encephalopathy, 42 (DEE42A). Also called: DEVELOPMENTAL AND EPILEPTIC ENCEPHALOPATHY 42A; EPILEPTIC ENCEPHALOPATHY, EARLY INFANTILE, 42A; Epileptic encephalopathy, early infantile, 42. Identifiers: MedGen C4310716, MONDO:0014917, OMIM 617106.
Episodic ataxia type 2 (EA2). Also called: ATAXIA, EPISODIC, WITH NYSTAGMUS; ATAXIA, FAMILIAL PAROXYSMAL; CEREBELLAR ATAXIA, PAROXYSMAL, ACETAZOLAMIDE-RESPONSIVE; CEREBELLOPATHY, HEREDITARY PAROXYSMAL; EPISODIC ATAXIA, NYSTAGMUS-ASSOCIATED; ACETAZOLAMIDE-RESPONSIVE HEREDITARY PAROXYSMAL CEREBELLAR ATAXIA. Identifiers: Orphanet 97, MedGen C1720416, MONDO:0007163, OMIM 108500.
CACNA1A-related disorder. Also called: CACNA1A-related condition.
Spinocerebellar ataxia type 6 (SCA6). Identifiers: Orphanet 98758, MedGen C0752124, MONDO:0008457, OMIM 183086.
Migraine, familial hemiplegic, 1. Also called: MIGRAINE, FAMILIAL HEMIPLEGIC 1, WITH PROGRESSIVE CEREBELLAR ATAXIA. Identifiers: Orphanet 569, MedGen C1832884, MONDO:0020756, OMIM 141500, MONDO:0007714.
Inborn genetic diseases. Identifiers: MedGen C0950123, MeSH D030342.

Allele frequency attached by ClinVar (database versions not stated): TOPMed 0.00002; ExAC 0.00020; 1000 Genomes Project 30x 0.00031; 1000 Genomes Project 0.00040.
gnomAD v4.1: 147 of 1,395,708 alleles (0.011%); highest among the groups gnomAD compares: South Asian, 0.21%; 2 homozygotes.

Submissions (8):

Labcorp Genetics (formerly Invitae), Labcorp
Classification: Likely benign for Developmental and epileptic encephalopathy, 42; Episodic ataxia type 2. Last evaluated: 2025-07-30. Review status: criteria provided, single submitter. Criteria: Invitae Variant Classification Sherloc (09022015). Collection method: clinical testing. Allele origin: germline.

Women's Health and Genetics/Laboratory Corporation of America, LabCorp
Classification: Likely benign. Last evaluated: 2025-06-16. Review status: criteria provided, single submitter. Criteria: LabCorp Variant Classification Summary - May 2015. Collection method: clinical testing. Allele origin: germline.
Comment: Variant summary: CACNA1A c.6469C>T (p.Arg2157Cys) results in a non-conservative amino acid change in the encoded protein sequence. Algorithms developed to predict the effect of missense changes on protein structure and function are either unavailable or do not agree on the potential impact of this missense change. The variant allele was found at a frequency of 0.0003 in 50246 control chromosomes, predominantly at a frequency of 0.0026 within the South Asian subpopulation in the gnomAD database. The observed variant frequency within South Asian control individuals in the gnomAD database exceeds the estimated maximal expected allele frequency for a pathogenic variant in CACNA1A causing Epileptic Encephalopathy, Early Infantile, 42 phenotype. To our knowledge, no occurrence of c.6469C>T in individuals affected with Epileptic Encephalopathy, Early Infantile, 42 and no experimental evidence demonstrating its impact on protein function have been reported. ClinVar contains an entry for this variant (Variation ID: 421928). Based on the evidence outlined above, the variant was classified as likely benign.

Blueprint Genetics
Classification: Uncertain significance. Last evaluated: 2024-06-19. Review status: criteria provided, single submitter. Criteria: ACMG Guidelines, 2015. Collection method: clinical testing. Allele origin: germline.

Revvity Omics, Revvity
Classification: Uncertain significance. Last evaluated: 2024-02-26. Review status: criteria provided, single submitter. Criteria: ACMG Guidelines, 2015. Collection method: clinical testing. Allele origin: germline.

GeneDx
Classification: Benign. Last evaluated: 2020-07-02. Review status: criteria provided, single submitter. Criteria: GeneDx Variant Classification Process June 2021. Collection method: clinical testing. Allele origin: germline. Affected: yes.

Fulgent Genetics
Classification: Uncertain significance for Episodic ataxia type 2; Migraine, familial hemiplegic, 1; Spinocerebellar ataxia type 6; Developmental and epileptic encephalopathy, 42. Last evaluated: 2018-10-31. Review status: criteria provided, single submitter. Criteria: ACMG Guidelines, 2015. Collection method: clinical testing. Allele origin: unknown.

Ambry Genetics
Classification: Uncertain significance for Inborn genetic diseases. Last evaluated: 2017-06-20. Review status: criteria provided, single submitter. Criteria: Ambry Variant Classification Scheme 2023. Collection method: clinical testing. Allele origin: germline.
Comment: The p.R2157C variant (also known as c.6469C>T), located in coding exon 45 of the CACNA1A gene, results from a C to T substitution at nucleotide position 6469. The arginine at codon 2157 is replaced by cysteine, an amino acid with highly dissimilar properties. This amino acid position is highly conserved in available vertebrate species. In addition, this alteration is predicted to be tolerated by in silico analysis. Since supporting evidence is limited at this time, the clinical significance of this alteration remains unclear.

PreventionGenetics, part of Exact Sciences
Classification: Likely benign for CACNA1A-related condition. Last evaluated: 2021-08-19. Review status: no assertion criteria provided. Collection method: clinical testing. Allele origin: germline. Not counted in ClinVar's aggregate classification.
Comment: This variant is classified as likely benign based on ACMG/AMP sequence variant interpretation guidelines (Richards et al. 2015 PMID: 25741868, with internal and published modifications).